The following is an entry in ClinVar:

ClinVar aggregate classification (germline): Uncertain significance (1 of 4 stars; one submission).

Conditions:
Inborn genetic diseases. Identifiers: MedGen C0950123, MeSH D030342.

Submission:

Ambry Genetics
Classification: Uncertain significance for Inborn genetic diseases. Last evaluated: 2023-05-01. Review status: criteria provided, single submitter. Criteria: Ambry Variant Classification Scheme 2023. Collection method: clinical testing. Allele origin: germline.
Comment: The p.T68S variant (also known as c.203C>G), located in coding exon 2 of the ATP7B gene, results from a C to G substitution at nucleotide position 203. The threonine at codon 68 is replaced by serine, an amino acid with similar properties. This amino acid position is conserved. In addition, this alteration is predicted to be tolerated by in silico analysis. Since supporting evidence is limited at this time, the clinical significance of this alteration remains unclear.

NM_000053.4(ATP7B):c.203C>G (p.Thr68Ser)

Gene: ATP7B (ATPase copper transporting beta; minus strand). Cytogenetic location: 13q14.3.
Variant type: single nucleotide variant.
Coding change: c.203C>G on transcript NM_000053.4 (MANE Select); coding-DNA position 203, C replaced by G.
Protein change: p.Thr68Ser; replaces threonine 68 with serine.
Molecular consequence: missense variant.
Genome position (GRCh38, 1-based): chr13:51,975,017, G>C on the plus strand (C>G on the coding strand, the complement: ATP7B is on the minus strand). VCF-style: chr13-51975017-G-C. GRCh37 (hg19) VCF-style: chr13-52549153-G-C.
Other names: c.203C>G, p.Thr68Ser (NM_001005918.3, NM_001243182.2, NM_001330578.2 and 30 more transcripts); c.107C>G, p.Thr36Ser (NM_001406517.1, NM_001406518.1, NM_001406530.1 and 4 more transcripts); short protein forms T36S, T68S.
Identifiers: ClinVar variation 2567922 (VCV002567922.2), dbSNP rs2547825175, ClinGen allele CA388044998.